The following is an entry in ClinVar:

NM_000107.3(DDB2):c.127+5T>G

Genes: DDB2 (damage specific DNA binding protein 2; plus strand), LOC126861205 (MED14-independent group 3 enhancer GRCh37_chr11:47236089-47237288; plus strand). Cytogenetic location: 11p11.2.
Variant type: single nucleotide variant.
Coding change: c.127+5T>G on transcript NM_000107.3 (MANE Select); 5 bases into the intron after coding-DNA position 127, T replaced by G.
Molecular consequence: intron variant.
Genome position (GRCh38, 1-based): chr11:47,215,268, T>G. VCF-style: chr11-47215268-T-G. GRCh37 (hg19) VCF-style: chr11-47236819-T-G.
Other names: c.127+5T>G (NM_001300734.2).
Identifiers: ClinVar variation 695307 (VCV000695307.17), dbSNP rs199965459, ClinGen allele CA5972408.

ClinVar aggregate classification (germline): Conflicting classifications of pathogenicity. Review status: criteria provided, conflicting classifications (1 of 4 stars). 7 submissions from 7 submitters: Uncertain significance (1); Benign (1); Likely benign (3). 2 of the submissions do not count toward it. Last evaluated 2026-01-21.

Conditions:
Xeroderma pigmentosum (XP). Identifiers: Orphanet 910, MedGen C0043346, MONDO:0019600.
Xeroderma pigmentosum, group E (XPE). Also called: DDB2-Related Xeroderma Pigmentosum; Xeroderma pigmentosum, group E, DDB-negative subtype; XERODERMA PIGMENTOSUM V; XP, GROUP E; Xeroderma pigmentosum, complementation group E, DDB-negative form; Xeroderma pigmentosum, complementation group E. Identifiers: Orphanet 910, MedGen C1848411, MONDO:0010213, OMIM 278740.

Allele frequency attached by ClinVar (database versions not stated): 1000 Genomes Project 30x 0.00047; 1000 Genomes Project 0.00060; ESP Exome Variant Server 0.00077; TOPMed 0.00092; gnomAD 0.00144 and 0.00148; gnomAD exomes 0.00166 and 0.00184; ExAC 0.00183.
gnomAD v4.1: 2,866 of 1,613,918 alleles (0.18%); highest among the groups gnomAD compares: Non-Finnish European, 0.19%; 4 homozygotes.

Submissions (7):

Labcorp Genetics (formerly Invitae), Labcorp
Classification: Benign. Last evaluated: 2026-01-21. Review status: criteria provided, single submitter. Criteria: Invitae Variant Classification Sherloc (09022015). Collection method: clinical testing. Allele origin: germline.

Dasa
Classification: Likely benign. Last evaluated: 2025-12-19. Review status: criteria provided, single submitter. Criteria: DASA Assertion Criteria. Collection method: clinical testing. Allele origin: germline.
Comment: NM_000107.3(DDB2):c.127+5T>G is a splice-region variant predicted to affect normal RNA splicing. Multiple computational predictions suggest no deleterious effect on the gene or gene product. Based on the available data, this variant is classified as likely benign.

Blueprint Genetics
Classification: Likely benign. Last evaluated: 2024-10-30. Review status: criteria provided, single submitter. Criteria: ACMG Guidelines, 2015. Collection method: clinical testing. Allele origin: germline.

Sema4
Classification: Likely benign for Xeroderma pigmentosum. Last evaluated: 2021-08-17. Review status: criteria provided, single submitter. Criteria: Sema4 Curation Guidelines. Collection method: curation. Allele origin: germline.

Illumina Laboratory Services, Illumina
Classification: Uncertain significance for Xeroderma pigmentosum, group E. Last evaluated: 2018-01-12. Review status: criteria provided, single submitter. Criteria: ICSL Variant Classification Criteria 13 December 2019. Collection method: clinical testing. Allele origin: germline.

Clinical Genetics DNA and cytogenetics Diagnostics Lab, Erasmus MC, Erasmus Medical Center
Classification: Likely benign. Review status: no assertion criteria provided. Collection method: clinical testing. Allele origin: germline. Affected: yes. Study: VKGL Data-share Consensus. Not counted in ClinVar's aggregate classification.

Genome Diagnostics Laboratory, Amsterdam University Medical Center
Classification: Benign. Review status: no assertion criteria provided. Collection method: clinical testing. Allele origin: germline. Affected: yes. Study: VKGL Data-share Consensus. Not counted in ClinVar's aggregate classification.